The following is an entry in ClinVar:

NM_000187.4(HGD):c.43T>C (p.Ser15Pro)

Gene: HGD (homogentisate 1,2-dioxygenase; minus strand). Cytogenetic location: 3q13.33.
Variant type: single nucleotide variant.
Coding change: c.43T>C on transcript NM_000187.4 (MANE Select); coding-DNA position 43, T replaced by C.
Protein change: p.Ser15Pro; replaces serine 15 with proline.
Molecular consequence: missense variant.
Genome position (GRCh38, 1-based): chr3:120,675,836, A>G on the plus strand (T>C on the coding strand, the complement: HGD is on the minus strand). VCF-style: chr3-120675836-A-G. GRCh37 (hg19) VCF-style: chr3-120394683-A-G.
Other names: short protein forms S15P.
Identifiers: ClinVar variation 1466513 (VCV001466513.8), dbSNP rs2107557717, ClinGen allele CA354082946.

ClinVar aggregate classification (germline): Uncertain significance (1 of 4 stars; one submission).

Conditions:
Alkaptonuria (AKU). Also called: HOMOGENTISIC ACID OXIDASE DEFICIENCY; Homogentisic acidura; Alcaptonuria; Alkaptonuric ochronosis. Identifiers: Orphanet 56, MedGen C0002066, MONDO:0008753, OMIM 203500.

Submission:

Labcorp Genetics (formerly Invitae), Labcorp
Classification: Uncertain significance for Alkaptonuria. Last evaluated: 2021-07-08. Review status: criteria provided, single submitter. Criteria: Invitae Variant Classification Sherloc (09022015). Collection method: clinical testing. Allele origin: germline.
Comment: This sequence change replaces serine with proline at codon 15 of the HGD protein (p.Ser15Pro). The serine residue is moderately conserved and there is a moderate physicochemical difference between serine and proline. This variant is not present in population databases (ExAC no frequency). This variant has not been reported in the literature in individuals affected with HGD-related conditions. Advanced modeling of protein sequence and biophysical properties (such as structural, functional, and spatial information, amino acid conservation, physicochemical variation, residue mobility, and thermodynamic stability) performed at Invitae indicates that this missense variant is not expected to disrupt HGD protein function. In summary, the available evidence is currently insufficient to determine the role of this variant in disease. Therefore, it has been classified as a Variant of Uncertain Significance.